The following is an entry in ClinVar:

ClinVar aggregate classification (germline): Pathogenic. Review status: reviewed by expert panel (3 of 4 stars). 6 submissions from 6 submitters: Pathogenic (1). 5 of the submissions do not count toward it. Last evaluated 2024-04-22.

Conditions:
Retinitis pigmentosa 20 (RP20). Identifiers: Orphanet 791, MedGen C3151086, MONDO:0013425, OMIM 613794.
Leber congenital amaurosis 2 (LCA2). Also called: Autosomal Recessive RPE65-Related Retinal Degeneration; AMAUROSIS CONGENITA OF LEBER II. Identifiers: Orphanet 65, MedGen C1859844, MONDO:0008765, OMIM 204100. Disease mechanism: loss of function.
RPE65-related recessive retinopathy. Also called: Recessive RPE65 retinopathy. Identifiers: MedGen CN305526, MONDO:0100368.

Allele frequency attached by ClinVar (database versions not stated): gnomAD exomes below 0.00001.
gnomAD v4.1: 1 of 1,613,624 alleles (0.000062%); highest among the groups gnomAD compares: Middle Eastern, 0.016%; no homozygotes.

Submissions (6):

ClinGen Leber Congenital Amaurosis/early Onset Retinal Dystrophy Variant Curation Expert Panel, ClinGen
Classification: Pathogenic for RPE65-related recessive retinopathy. Last evaluated: 2024-04-22. Review status: reviewed by expert panel. Criteria: ClinGen LCAeoRD ACMG Specifications RPE65 V1.0.0. Collection method: curation. Allele origin: germline. Inheritance: Autosomal recessive inheritance.
Comment: NM_000329.3(RPE65):c.1451-1G>A is a canonical splice variant in intron 13 of RPE65 and is predicted to lead to the skipping of a critical exon in which missense variants have previously been established as a mechanism of disease (PVS1). This variant is present in gnomAD v.2.1.1 at an allele frequency of 0.000004024, with 1 allele / 6096 total alleles in the "Remaining Individuals" population, which is lower than the ClinGen LCA / eoRD VCEP PM2_Supporting threshold of <0.0002 (PM2_Supporting). At least one proband harboring this variant exhibits a phenotype including clinical diagnosis of Leber congenital amaurosis (0.5 pts), symptomatic onset between birth and age five years (1 pt), poor pupillary light response (0.5 pts), RPE mottling (0.5 pts), macular atrophy (0.5 pts), decreased central visual acuity (1 pt), pigmentary retinopathy with attenuated vessels (0.5 pts), and nystagmus (1 pt), which together are specific for RPE65-related recessive retinopathy (total 5.5 points, PMID: 31957135, PP4). The variant has been reported to segregate with childhood-onset severe retinal dystrophy through at least 2 affected meioses from 1 family, with the variant present in the homozygous state (PP1_Moderate; PMID: 31957135). In summary, this variant meets the criteria to be classified as pathogenic for RPE65-related recessive retinopathy based on the ACMG/AMP criteria applied, as specified by the ClinGen LCA / eoRD VCEP: PVS1, PM2_Supporting, PP1_Moderate, and PP4. (VCEP specifications version 1.0.0; date of approval 09/21/2023).

OLLIN Analises Genomicas, OLLIN
Classification: Pathogenic for Leber congenital amaurosis 2. Last evaluated: 2026-08-06. Review status: criteria provided, single submitter. Criteria: ACMG Guidelines 2015 PMID 25741868. Collection method: clinical testing. Allele origin: germline. Inheritance: Autosomal recessive inheritance. Not counted in ClinVar's aggregate classification.
Comment: This variant, located at the canonical splicing site (splice acceptor), has been reported in ClinVar (accession VCV001321180.11) and in gnomAD with an allele frequency of 0.000062%. However, to our knowledge, it has not been reported in the scientific literature. This variant is predicted to disrupt a canonical splice site, potentially leading to exon skipping, mRNA degradation via nonsense-mediated decay (NMD), or production of a truncated protein. According to the currently available evidence, this variant has been classified as pathogenic (PVS1, PM2_P, PP1_M, PP4).

Baylor Genetics
Classification: Pathogenic for Leber congenital amaurosis 2. Last evaluated: 2023-06-12. Review status: criteria provided, single submitter. Criteria: ACMG Guidelines, 2015. Collection method: clinical testing. Allele origin: unknown. Not counted in ClinVar's aggregate classification.

Labcorp Genetics (formerly Invitae), Labcorp
Classification: Pathogenic for Leber congenital amaurosis 2; Retinitis pigmentosa 20. Last evaluated: 2022-07-15. Review status: criteria provided, single submitter. Criteria: Invitae Variant Classification Sherloc (09022015). Collection method: clinical testing. Allele origin: germline. Not counted in ClinVar's aggregate classification.
Comment: For these reasons, this variant has been classified as Pathogenic. Variants that disrupt the consensus splice site are a relatively common cause of aberrant splicing (PMID: 17576681, 9536098). Algorithms developed to predict the effect of sequence changes on RNA splicing suggest that this variant may disrupt the consensus splice site. ClinVar contains an entry for this variant (Variation ID: 1321180). Disruption of this splice site has been observed in individual(s) with autosomal recessive Leber congenital amaurosis (PMID: 31273949, 31957135). In at least one individual the data is consistent with being in trans (on the opposite chromosome) from a pathogenic variant. It has also been observed to segregate with disease in related individuals. This variant is present in population databases (no rsID available, gnomAD 0.0009%). This sequence change affects an acceptor splice site in intron 13 of the RPE65 gene. While this variant is not anticipated to result in nonsense mediated decay, it likely alters RNA splicing and results in a disrupted protein product.

3billion
Classification: Likely pathogenic for Retinitis pigmentosa 20. Last evaluated: 2022-01-03. Review status: criteria provided, single submitter. Criteria: ACMG Guidelines, 2015. Collection method: clinical testing. Allele origin: germline. Affected: yes. Observed: 1 homozygote. Not counted in ClinVar's aggregate classification.
Comment: Canonical splice site: predicted to alter splicing and result in a loss or disruption of normal protein function through protein truncation. Multiple pathogenic variants are reported in the predicted truncated region (PVS1_S). It is observed at an extremely low frequency in the gnomAD v2.1.1 dataset (total allele frequency: 0.000004, PM2_M).Therefore, this variant is classified as likely pathogenic according to the recommendation of ACMG/AMP guideline.

Pars Genome Lab
Classification: Pathogenic for Retinitis pigmentosa 20. Last evaluated: 2021-11-01. Review status: criteria provided, single submitter. Criteria: ACMG Guidelines, 2015. Collection method: clinical testing. Allele origin: germline. Inheritance: Autosomal recessive inheritance. Affected: yes. Not counted in ClinVar's aggregate classification.

Literature cited by the submitters: PubMed 17576681 (cited by Labcorp Genetics (formerly Invitae), Labcorp); PubMed 9536098 (cited by Labcorp Genetics (formerly Invitae), Labcorp); PubMed 31273949 (cited by Labcorp Genetics (formerly Invitae), Labcorp); PubMed 31957135 (cited by Labcorp Genetics (formerly Invitae), Labcorp).

NM_000329.3(RPE65):c.1451-1G>A

Gene: RPE65 (retinoid isomerohydrolase RPE65; minus strand). Cytogenetic location: 1p31.3.
Variant type: single nucleotide variant.
Coding change: c.1451-1G>A on transcript NM_000329.3 (MANE Select); the canonical splice acceptor site of the intron before coding-DNA position 1451, G replaced by A.
Molecular consequence: splice acceptor variant.
Genome position (GRCh38, 1-based): chr1:68,429,928, C>T on the plus strand (G>A on the coding strand, the complement: RPE65 is on the minus strand). VCF-style: chr1-68429928-C-T. GRCh37 (hg19) VCF-style: chr1-68895611-C-T.
Other names: c.1175-1G>A (NM_001406857.1, NM_001406856.1); c.1343-1G>A (NM_001406853.1).
Identifiers: ClinVar variation 1321180 (VCV001321180.12), dbSNP rs1317871521, ClinGen allele CA340741548.
Genomic context (GRCh38, chr1:68,429,928, plus strand): 5'-TCAGGAGATAAGCAGGCTTTTGTCCTGCTCCTGGGCTCACCACCACACTCAGAACTACAC[C>T]TGTTTATCAGAAGTAAATTAGGCAATATTGAGTTTTTAAAAGCCCAAGCTATAGATTGAA-3'